The following is an entry in ClinVar:

NM_001374736.1(DST):c.12323T>C (p.Met4108Thr)

Genes: DST (dystonin; minus strand), LOC129996656 (ATAC-STARR-seq lymphoblastoid active region 24702; plus strand). Cytogenetic location: 6p12.1.
Variant type: single nucleotide variant.
Coding change: c.12323T>C on transcript NM_001374736.1 (MANE Select); coding-DNA position 12323, T replaced by C.
Protein change: p.Met4108Thr; replaces methionine 4108 with threonine.
Molecular consequence: missense variant.
Genome position (GRCh38, 1-based): chr6:56,594,066, A>G on the plus strand (T>C on the coding strand, the complement: DST is on the minus strand). VCF-style: chr6-56594066-A-G. GRCh37 (hg19) VCF-style: chr6-56458864-A-G.
Other names: c.5966T>C, p.Met1989Thr (NM_001144769.5); c.5552T>C, p.Met1851Thr (NM_001144770.2); c.12323T>C, p.Met4108Thr (NM_001374722.1); c.11690T>C, p.Met3897Thr (NM_001374729.1); c.5432T>C, p.Met1811Thr (NM_001374730.1, NM_001386100.1, NM_183380.4); c.12350T>C, p.Met4117Thr (NM_001374734.1); c.4454T>C, p.Met1485Thr (NM_015548.5); short protein forms M1811T, M4108T, M1485T, M1989T, M4117T, M1851T, M3897T.
Identifiers: ClinVar variation 1436373 (VCV001436373.5), dbSNP rs1231950440, ClinGen allele CA364526754.
Genomic context (GRCh38, chr6:56,594,066, plus strand): 5'-AACTTCATTTTCTTCTCTGACTCAGCCAGTGCAGTTTCATAATGCACTTTCAGTTCCTTC[A>G]TGTTCTTTTGCAGTTTCTCTTTTTCTTCAGGAGAGAGATACTGACCCTGTTTCTCAAGCA-3'
Protein context (NP_001361665.1, residues 4098-4118): PEEKEKLQKN[Met4108Thr]KELKVHYETA

ClinVar aggregate classification (germline): Uncertain significance (1 of 4 stars; one submission).

Conditions:
Epidermolysis bullosa simplex 3, localized or generalized intermediate, with BP230 deficiency (EBS3). Also called: Epidermolysis bullosa simplex due to BP230 deficiency; Epidermolysis bullosa simplex, autosomal recessive 2. Identifiers: Orphanet 412181, MedGen C3809470, MONDO:0014180, OMIM 615425.
Hereditary sensory and autonomic neuropathy type 6. Also called: HSAN VI; Neuropathy, hereditary sensory and autonomic, type VI. Identifiers: Orphanet 314381, MedGen C3539003, MONDO:0013839, OMIM 614653.

Allele frequency attached by ClinVar (database versions not stated): gnomAD exomes below 0.00001 and 0.00002; TOPMed below 0.00001.
gnomAD v4.1: 28 of 1,612,688 alleles (0.0017%); highest among the groups gnomAD compares: Non-Finnish European, 0.0022%; no homozygotes.

Submission:

Labcorp Genetics (formerly Invitae), Labcorp
Classification: Uncertain significance for Epidermolysis bullosa simplex 3, localized or generalized intermediate, with BP230 deficiency; Hereditary sensory and autonomic neuropathy type 6. Last evaluated: 2025-06-23. Review status: criteria provided, single submitter. Criteria: Invitae Variant Classification Sherloc (09022015). Collection method: clinical testing. Allele origin: germline.
Comment: The DST gene has multiple clinically relevant transcripts. This variant occurs in alternate transcript NM_015548.4, and corresponds to NM_001723.5:c.*21451T>C in the primary transcript. This sequence change replaces methionine, which is neutral and non-polar, with threonine, which is neutral and polar, at codon 1485 of the DST protein (p.Met1485Thr). This variant is present in population databases (no rsID available, gnomAD 0.003%). This variant has not been reported in the literature in individuals affected with DST-related conditions. Experimental studies and prediction algorithms are not available or were not evaluated, and the functional significance of this variant is currently unknown. In summary, the available evidence is currently insufficient to determine the role of this variant in disease. Therefore, it has been classified as a Variant of Uncertain Significance.